The following is an entry in ClinVar:

ClinVar aggregate classification (germline): Uncertain significance (1 of 4 stars; one submission).

Conditions:
Kabuki syndrome 2 (KABUK2). Also called: KDM6A-Related Kabuki Syndrome. Identifiers: Orphanet 2322, MedGen C3275495, MONDO:0010465, OMIM 300867.

gnomAD v4.1: 13 of 1,208,221 alleles (0.0011%); highest among the groups gnomAD compares: Admixed American, 0.022%; no homozygotes.

Submission:

Labcorp Genetics (formerly Invitae), Labcorp
Classification: Uncertain significance for Kabuki syndrome 2. Last evaluated: 2025-12-24. Review status: criteria provided, single submitter. Criteria: Invitae Variant Classification Sherloc (09022015). Collection method: clinical testing. Allele origin: germline.
Comment: This sequence change replaces threonine, which is neutral and polar, with serine, which is neutral and polar, at codon 663 of the KDM6A protein (p.Thr663Ser). This variant is present in population databases (no rsID available, gnomAD 0.01%), including at least one homozygous and/or hemizygous individual. This variant has not been reported in the literature in individuals affected with KDM6A-related conditions. Invitae Evidence Modeling of protein sequence and biophysical properties (such as structural, functional, and spatial information, amino acid conservation, physicochemical variation, residue mobility, and thermodynamic stability) indicates that this missense variant is not expected to disrupt KDM6A protein function with a negative predictive value of 80%. In summary, the available evidence is currently insufficient to determine the role of this variant in disease. Therefore, it has been classified as a Variant of Uncertain Significance.

NM_001291415.2(KDM6A):c.2143A>T (p.Thr715Ser)

Gene: KDM6A (lysine demethylase 6A; plus strand). Cytogenetic location: Xp11.3.
Variant type: single nucleotide variant.
Coding change: c.2143A>T on transcript NM_001291415.2 (MANE Select); coding-DNA position 2143, A replaced by T.
Protein change: p.Thr715Ser; replaces threonine 715 with serine.
Molecular consequence: missense variant. On other transcripts: non-coding transcript variant (1).
Genome position (GRCh38, 1-based): chrX:45,069,642, A>T. VCF-style: chrX-45069642-A-T. GRCh37 (hg19) VCF-style: chrX-44928887-A-T.
Other names: c.2008A>T, p.Thr670Ser (NM_001291416.2, NM_001419811.1); c.1852A>T, p.Thr618Ser (NM_001291417.2); c.1750A>T, p.Thr584Ser (NM_001291418.2, NM_001419815.1); c.1099A>T, p.Thr367Ser (NM_001291421.2); c.1885A>T, p.Thr629Ser (NM_001410742.1, NM_001419814.1); c.2143A>T, p.Thr715Ser (NM_001419809.1); c.2041A>T, p.Thr681Ser (NM_001419810.1, NM_001419813.1); c.1987A>T, p.Thr663Ser (NM_001419812.1, NM_021140.4); short protein forms T584S, T618S, T663S, T715S, T629S, T367S, T670S, T681S.
Identifiers: ClinVar variation 4752973 (VCV004752973.1).